The following is an entry in ClinVar:

ClinVar aggregate classification (germline): Uncertain significance (1 of 4 stars; one submission).

Conditions:
Biotinidase deficiency. Also called: BTD deficiency; Late-onset biotin-responsive multiple carboxylase deficiency; Biotin deficiency. Identifiers: Orphanet 79241, MedGen C0220754, MONDO:0009665, OMIM 253260.

Allele frequency attached by ClinVar (database versions not stated): ExAC 0.00001; TOPMed 0.00004; gnomAD 0.00006; 1000 Genomes Project 30x 0.00016; 1000 Genomes Project 0.00020.
gnomAD v4.1: 28 of 1,614,214 alleles (0.0017%); highest among the groups gnomAD compares: African/African-American, 0.019%; no homozygotes.

Submission:

Labcorp Genetics (formerly Invitae), Labcorp
Classification: Uncertain significance for Biotinidase deficiency. Last evaluated: 2022-07-31. Review status: criteria provided, single submitter. Criteria: Invitae Variant Classification Sherloc (09022015). Collection method: clinical testing. Allele origin: germline.
Comment: This sequence change replaces alanine, which is neutral and non-polar, with serine, which is neutral and polar, at codon 4 of the BTD protein (p.Ala4Ser). This variant is present in population databases (rs527263093, gnomAD 0.02%). This variant has not been reported in the literature in individuals affected with BTD-related conditions. Algorithms developed to predict the effect of missense changes on protein structure and function are either unavailable or do not agree on the potential impact of this missense change (SIFT: "Deleterious"; PolyPhen-2: "Benign"; Align-GVGD: "Class C0"). In summary, the available evidence is currently insufficient to determine the role of this variant in disease. Therefore, it has been classified as a Variant of Uncertain Significance.

NM_001370658.1(BTD):c.-51G>T

Gene: BTD (biotinidase; plus strand). Cytogenetic location: 3p25.1.
Variant type: single nucleotide variant.
Coding change: c.-51G>T on transcript NM_001370658.1 (MANE Select); 51 bases upstream of the start codon, G replaced by T.
Molecular consequence: 5 prime UTR variant. On other transcripts: missense variant (1), non-coding transcript variant (1), intron variant (4).
Genome position (GRCh38, 1-based): chr3:15,601,860, G>T. VCF-style: chr3-15601860-G-T. GRCh37 (hg19) VCF-style: chr3-15643367-G-T.
Other names: c.10G>T, p.Ala4Ser (NM_000060.4); c.-239G>T (NM_001281724.3); c.-51G>T (NM_001281726.3, NM_001370752.1, NM_001370753.1 and 3 more transcripts); c.-327G>T (NM_001323582.2, NM_001407384.1); c.-616G>T (NM_001407366.1); c.-602G>T (NM_001407369.1); c.-208G>T (NM_001407372.1); c.-170G>T (NM_001407373.1); and 7 more; short protein forms A4S.
Identifiers: ClinVar variation 2051019 (VCV002051019.1), dbSNP rs527263093, ClinGen allele CA2277177.